The following is an entry in ClinVar:

NM_080680.3(COL11A2):c.5102G>A (p.Arg1701Gln)

Gene: COL11A2 (collagen type XI alpha 2 chain; minus strand). Cytogenetic location: 6p21.32.
Variant type: single nucleotide variant.
Coding change: c.5102G>A on transcript NM_080680.3 (MANE Select); coding-DNA position 5102, G replaced by A.
Protein change: p.Arg1701Gln; replaces arginine 1701 with glutamine.
Molecular consequence: missense variant.
Genome position (GRCh38, 1-based): chr6:33,163,787, C>T on the plus strand (G>A on the coding strand, the complement: COL11A2 is on the minus strand). VCF-style: chr6-33163787-C-T. GRCh37 (hg19) VCF-style: chr6-33131564-C-T.
Other names: c.4781G>A, p.Arg1594Gln (NM_080679.3); c.4844G>A, p.Arg1615Gln (NM_080681.3); short protein forms R1615Q, R1594Q, R1701Q.
Identifiers: ClinVar variation 2185359 (VCV002185359.4), dbSNP rs1057341966, ClinGen allele CA363615646.

ClinVar aggregate classification (germline): Conflicting classifications of pathogenicity. Review status: criteria provided, conflicting classifications (1 of 4 stars). 2 submissions from 2 submitters: Uncertain significance (1); Likely benign (1). Last evaluated 2022-05-06.

Conditions:
Otospondylomegaepiphyseal dysplasia, autosomal recessive (OSMEDB). Also called: Insley-Astley syndrome; CHONDRODYSTROPHY WITH SENSORINEURAL DEAFNESS. Identifiers: Orphanet 1427, MedGen CN034493, MONDO:0044206, OMIM 215150.

Allele frequency attached by ClinVar (database versions not stated): TOPMed below 0.00001; gnomAD 0.00001; gnomAD exomes 0.00001.
gnomAD v4.1: 8 of 1,612,914 alleles (0.0005%); highest among the groups gnomAD compares: South Asian, 0.0022%; no homozygotes.

Submissions (2):

Labcorp Genetics (formerly Invitae), Labcorp
Classification: Likely benign. Last evaluated: 2022-05-06. Review status: criteria provided, single submitter. Criteria: Invitae Variant Classification Sherloc (09022015). Collection method: clinical testing. Allele origin: germline.

Neuberg Centre For Genomic Medicine, NCGM
Classification: Uncertain significance for Otospondylomegaepiphyseal dysplasia, autosomal recessive. Review status: criteria provided, single submitter. Criteria: ACMG Guidelines, 2015. Collection method: clinical testing. Allele origin: germline. Inheritance: Autosomal recessive inheritance. Affected: yes.
Comment: The missense c.5102G>A (p.Arg1701Gln) variant in COL11A2 gene has not been reported previously as a pathogenic variant nor as a benign variant, to our knowledge. This variant is reported with the allele frequency 0.0004% in the gnomAD and novel in 1000 genome database. The amino acid Arg at position 1701 is changed to a Gln changing protein sequence and it might alter its composition and physico-chemical properties. The amino acid change p.Arg1701Gln in COL11A2 is predicted as conserved by GERP++ and PhyloP across 100 vertebrates. For these reasons, this variant has been classified as Uncertain Significance.